The following is an entry in ClinVar:

ClinVar aggregate classification (germline): Uncertain significance (1 of 4 stars; one submission).

Conditions:
Dilated cardiomyopathy 1G (CMD1G). Identifiers: Orphanet 154, MedGen C1858763, MONDO:0011400, OMIM 604145.
Autosomal recessive limb-girdle muscular dystrophy type 2J (LGMDR10). Also called: Limb-girdle muscular dystrophy, type 2J; MUSCULAR DYSTROPHY, LIMB-GIRDLE, AUTOSOMAL RECESSIVE 10. Identifiers: Orphanet 140922, MedGen C1837342, MONDO:0012127, OMIM 608807.

gnomAD v4.1: 2 of 1,605,462 alleles (0.00012%); highest among the groups gnomAD compares: Admixed American, 0.0034%; no homozygotes.

Submission:

Labcorp Genetics (formerly Invitae), Labcorp
Classification: Uncertain significance for Dilated cardiomyopathy 1G; Autosomal recessive limb-girdle muscular dystrophy type 2J. Last evaluated: 2019-09-18. Review status: criteria provided, single submitter. Criteria: Invitae Variant Classification Sherloc (09022015). Collection method: clinical testing. Allele origin: germline.
Comment: Algorithms developed to predict the effect of missense changes on protein structure and function are unavailable for the TTN gene. This variant is located in the M band of TTN (PMID: 25589632). Variants in this region may be relevant for neuromuscular disorders, but have not been definitively shown to cause cardiomyopathy (PMID: 23975875). In summary, the available evidence is currently insufficient to determine the role of this variant in disease. Therefore, it has been classified as a Variant of Uncertain Significance. This variant has not been reported in the literature in individuals with TTN-related conditions. This variant is not present in population databases (ExAC no frequency). This sequence change replaces threonine with isoleucine at codon 35450 of the TTN protein (p.Thr35450Ile). There is a moderate physicochemical difference between threonine and isoleucine.

Literature cited by the submitters: PubMed 25589632; PubMed 23975875.

NM_001267550.2(TTN):c.106349C>T (p.Thr35450Ile)

Genes: TTN-AS1 (TTN antisense RNA 1; plus strand), TTN (titin; minus strand). Cytogenetic location: 2q31.2.
Variant type: single nucleotide variant.
Coding change: c.106349C>T on transcript NM_001267550.2 (MANE Select); coding-DNA position 106349, C replaced by T.
Protein change: p.Thr35450Ile; replaces threonine 35450 with isoleucine.
Molecular consequence: missense variant.
Genome position (GRCh38, 1-based): chr2:178,530,266, G>A on the plus strand (C>T on the coding strand, the complement: TTN is on the minus strand). VCF-style: chr2-178530266-G-A. GRCh37 (hg19) VCF-style: chr2-179394993-G-A.
Other names: c.101426C>T, p.Thr33809Ile (NM_001256850.1); c.79154C>T, p.Thr26385Ile (NM_003319.4); c.98645C>T, p.Thr32882Ile (NM_133378.4); c.79529C>T, p.Thr26510Ile (NM_133432.3); c.79730C>T, p.Thr26577Ile (NM_133437.4); short protein forms T33809I, T26510I, T32882I, T35450I, T26577I, T26385I.
Identifiers: ClinVar variation 940175 (VCV000940175.8), dbSNP rs371022420, ClinGen allele CA349405951.